The following is an entry in ClinVar:

ClinVar aggregate classification (germline): Uncertain significance. Review status: criteria provided, multiple submitters, no conflicts (2 of 4 stars). 2 submissions from 2 submitters: Uncertain significance (2). Last evaluated 2023-09-29.

Conditions:
Hereditary cancer-predisposing syndrome. Also called: Neoplastic Syndromes, Hereditary; Tumor predisposition; Hereditary Cancer Syndrome; Hereditary neoplastic syndrome. Identifiers: Orphanet 140162, MedGen C0027672, MeSH D009386, MONDO:0015356.

Allele frequency attached by ClinVar (database versions not stated): gnomAD exomes below 0.00001 and 0.00001.
gnomAD v4.1: 2 of 1,610,066 alleles (0.00012%); highest among the groups gnomAD compares: Admixed American, 0.0033%; no homozygotes.

Submissions (2):

Labcorp Genetics (formerly Invitae), Labcorp
Classification: Uncertain significance for Hereditary cancer-predisposing syndrome. Last evaluated: 2023-09-29. Review status: criteria provided, single submitter. Criteria: Invitae Variant Classification Sherloc (09022015). Collection method: clinical testing. Allele origin: germline.
Comment: ClinVar contains an entry for this variant (Variation ID: 820087). This sequence change replaces leucine, which is neutral and non-polar, with phenylalanine, which is neutral and non-polar, at codon 597 of the RAD50 protein (p.Leu597Phe). This variant is present in population databases (no rsID available, gnomAD 0.006%). This variant has not been reported in the literature in individuals affected with RAD50-related conditions. Algorithms developed to predict the effect of missense changes on protein structure and function output the following: SIFT: "Not Available"; PolyPhen-2: "Benign"; Align-GVGD: "Not Available". The phenylalanine amino acid residue is found in multiple mammalian species, which suggests that this missense change does not adversely affect protein function. In summary, the available evidence is currently insufficient to determine the role of this variant in disease. Therefore, it has been classified as a Variant of Uncertain Significance.

Ambry Genetics
Classification: Uncertain significance for Hereditary cancer-predisposing syndrome. Last evaluated: 2019-12-19. Review status: criteria provided, single submitter. Criteria: Ambry Variant Classification Scheme 2023. Collection method: clinical testing. Allele origin: germline.
Comment: The p.L597F variant (also known as c.1791G>T), located in coding exon 11 of the RAD50 gene, results from a G to T substitution at nucleotide position 1791. The leucine at codon 597 is replaced by phenylalanine, an amino acid with highly similar properties. This amino acid position is not well conserved in available vertebrate species. In addition, this alteration is predicted to be tolerated by in silico analysis. Since supporting evidence is limited at this time, the clinical significance of this alteration remains unclear.

NM_005732.4(RAD50):c.1791G>T (p.Leu597Phe)

Gene: RAD50 (RAD50 double strand break repair protein; plus strand). Cytogenetic location: 5q31.1.
Variant type: single nucleotide variant.
Coding change: c.1791G>T on transcript NM_005732.4 (MANE Select); coding-DNA position 1791, G replaced by T.
Protein change: p.Leu597Phe; replaces leucine 597 with phenylalanine.
Molecular consequence: missense variant.
Genome position (GRCh38, 1-based): chr5:132,592,032, G>T. VCF-style: chr5-132592032-G-T. GRCh37 (hg19) VCF-style: chr5-131927724-G-T.
Other names: short protein forms L597F.
Identifiers: ClinVar variation 820087 (VCV000820087.12), dbSNP rs1278371108, ClinGen allele CA360946819.